The following is an entry in ClinVar:

ClinVar aggregate classification (germline): Uncertain significance. Review status: criteria provided, single submitter (1 of 4 stars). 2 submissions from 2 submitters: Uncertain significance (1). 1 of the submissions does not count toward it. Last evaluated 2022-08-09.

Conditions:
Athabaskan severe combined immunodeficiency (SCIDA). Also called: Severe combined immunodeficiency, athabascan-type. Identifiers: MedGen C1865370.
Severe combined immunodeficiency due to DCLRE1C deficiency (RS-SCID). Also called: SCID, AUTOSOMAL RECESSIVE, T CELL-NEGATIVE, B CELL-NEGATIVE, NK CELL-POSITIVE, WITH SENSITIVITY TO IONIZING RADIATION. Identifiers: Orphanet 275, MedGen C1865371, MONDO:0011225, OMIM 602450.

Submissions (2):

Labcorp Genetics (formerly Invitae), Labcorp
Classification: Uncertain significance for Athabaskan severe combined immunodeficiency. Last evaluated: 2022-08-09. Review status: criteria provided, single submitter. Criteria: Invitae Variant Classification Sherloc (09022015). Collection method: clinical testing. Allele origin: germline.
Comment: This sequence change replaces cysteine, which is neutral and slightly polar, with arginine, which is basic and polar, at codon 435 of the DCLRE1C protein (p.Cys435Arg). This variant is not present in population databases (gnomAD no frequency). This variant has not been reported in the literature in individuals affected with DCLRE1C-related conditions. ClinVar contains an entry for this variant (Variation ID: 648487). Algorithms developed to predict the effect of missense changes on protein structure and function (SIFT, PolyPhen-2, Align-GVGD) all suggest that this variant is likely to be tolerated. In summary, the available evidence is currently insufficient to determine the role of this variant in disease. Therefore, it has been classified as a Variant of Uncertain Significance.

Natera, Inc.
Classification: Uncertain significance for Athabascan severe combined immunodeficiency. Last evaluated: 2020-07-07. Review status: no assertion criteria provided. Collection method: clinical testing. Allele origin: germline. Not counted in ClinVar's aggregate classification.

NM_001033855.3(DCLRE1C):c.1303T>C (p.Cys435Arg)

Gene: DCLRE1C (DNA cross-link repair 1C; minus strand). Cytogenetic location: 10p13.
Variant type: single nucleotide variant.
Coding change: c.1303T>C on transcript NM_001033855.3 (MANE Select); coding-DNA position 1303, T replaced by C.
Protein change: p.Cys435Arg; replaces cysteine 435 with arginine.
Molecular consequence: missense variant. On other transcripts: non-coding transcript variant (4).
Genome position (GRCh38, 1-based): chr10:14,909,184, A>G on the plus strand (T>C on the coding strand, the complement: DCLRE1C is on the minus strand). VCF-style: chr10-14909184-A-G. GRCh37 (hg19) VCF-style: chr10-14951183-A-G.
Other names: c.943T>C, p.Cys315Arg (NM_001033857.3, NM_001033858.3, NM_001289077.2 and 2 more transcripts); c.958T>C, p.Cys320Arg (NM_001289076.2, NM_001289078.2, NM_001350966.2 and 1 more transcripts); c.1303T>C, p.Cys435Arg (NM_001350965.2); short protein forms C435R, C315R, C320R.
Identifiers: ClinVar variation 648487 (VCV000648487.5), dbSNP rs921819288, ClinGen allele CA203429412.